The following is an entry in ClinVar:

NM_000535.7(PMS2):c.1008T>G (p.Val336=)

Gene: PMS2 (PMS1 homolog 2, mismatch repair system component; minus strand). Cytogenetic location: 7p22.1.
Variant type: single nucleotide variant.
Coding change: c.1008T>G on transcript NM_000535.7 (MANE Select); coding-DNA position 1008, T replaced by G.
Protein change: p.Val336=; no amino-acid change (valine 336 retained).
Molecular consequence: synonymous variant. On other transcripts: non-coding transcript variant (1), intron variant (2).
Genome position (GRCh38, 1-based): chr7:5,989,936, A>C on the plus strand (T>G on the coding strand, the complement: PMS2 is on the minus strand). VCF-style: chr7-5989936-A-C. GRCh37 (hg19) VCF-style: chr7-6029567-A-C.
Other names: c.603T>G, p.Val201= (NM_001322003.2, NM_001322004.2, NM_001322005.2 and 1 more transcripts); c.690T>G, p.Val230= (NM_001322007.2, NM_001322008.2); c.75T>G, p.Val25= (NM_001322011.2, NM_001322012.2); c.435T>G, p.Val145= (NM_001322013.2); c.1008T>G, p.Val336= (NM_001322014.2); c.699T>G, p.Val233= (NM_001322015.2); c.583+2037T>G (NM_001322010.2); c.988+2037T>G (NM_001322006.2).
Identifiers: ClinVar variation 382708 (VCV000382708.16), dbSNP rs1057521429, ClinGen allele CA16605120.

ClinVar aggregate classification (germline): Benign/Likely benign. Review status: criteria provided, multiple submitters, no conflicts (2 of 4 stars). 4 submissions from 4 submitters: Benign (1); Likely benign (3). Last evaluated 2025-12-01.

Conditions:
Lynch syndrome 4 (LYNCH4). Also called: Colorectal cancer, hereditary nonpolyposis, type 4; Hereditary non-polyposis colorectal cancer, type 4. Identifiers: Orphanet 144, MedGen C1838333, MONDO:0013699, OMIM 614337. Disease mechanism: loss of function.
Hereditary nonpolyposis colorectal neoplasms. Identifiers: MedGen C0009405, MeSH D003123.
Hereditary cancer-predisposing syndrome. Also called: Hereditary Cancer Syndrome; Hereditary neoplastic syndrome; Neoplastic Syndromes, Hereditary; Tumor predisposition. Identifiers: Orphanet 140162, MedGen C0027672, MeSH D009386, MONDO:0015356.

Submissions (4):

Labcorp Genetics (formerly Invitae), Labcorp
Classification: Likely benign for Hereditary nonpolyposis colorectal neoplasms. Last evaluated: 2025-12-01. Review status: criteria provided, single submitter. Criteria: Invitae Variant Classification Sherloc (09022015). Collection method: clinical testing. Allele origin: germline.

Myriad Genetics, Inc.
Classification: Benign for Lynch syndrome 4. Last evaluated: 2025-01-29. Review status: criteria provided, single submitter. Criteria: Myriad Autosomal Dominant, Autosomal Recessive and X-Linked Classification Criteria (2023). Collection method: clinical testing. Allele origin: unknown.
Comment: This variant is considered benign. This variant is a silent/synonymous amino acid change and it is not expected to impact splicing.

Ambry Genetics
Classification: Likely benign for Hereditary cancer-predisposing syndrome. Last evaluated: 2016-06-10. Review status: criteria provided, single submitter. Criteria: Ambry Variant Classification Scheme 2023. Collection method: clinical testing. Allele origin: germline.

GeneDx
Classification: Likely benign. Last evaluated: 2015-12-31. Review status: criteria provided, single submitter. Criteria: GeneDx Variant Classification (06012015). Collection method: clinical testing. Allele origin: germline. Affected: yes.
Comment: This variant is considered likely benign or benign based on one or more of the following criteria: it is a conservative change, it occurs at a poorly conserved position in the protein, it is predicted to be benign by multiple in silico algorithms, and/or has population frequency not consistent with disease.